The following is an entry in ClinVar:

NM_022436.3(ABCG5):c.139G>C (p.Val47Leu)

Gene: ABCG5 (ATP binding cassette subfamily G member 5; minus strand). Cytogenetic location: 2p21.
Variant type: single nucleotide variant.
Coding change: c.139G>C on transcript NM_022436.3 (MANE Select); coding-DNA position 139, G replaced by C.
Protein change: p.Val47Leu; replaces valine 47 with leucine.
Molecular consequence: missense variant.
Genome position (GRCh38, 1-based): chr2:43,838,541, C>G on the plus strand (G>C on the coding strand, the complement: ABCG5 is on the minus strand). VCF-style: chr2-43838541-C-G. GRCh37 (hg19) VCF-style: chr2-44065680-C-G.
Other names: short protein forms V47L.
Identifiers: ClinVar variation 895029 (VCV000895029.9), dbSNP rs72542426, ClinGen allele CA1636792.
Genomic context (GRCh38, chr2:43,838,541, plus strand): 5'-TGAGCGCCGGGCCCCGCACTCCTGGGGGAGCAGCAGCAGCAAGGGCTCTGCCTTACCTGA[C>G]GCTGTAGGAGGCATGGAGGATGCCCAGGCTGTGAGGCTCCGGGGCGGTGGCAGGAGCCCC-3'
Protein context (NP_071881.1, residues 37-57): SLGILHASYS[Val47Leu]SHRVRPWWDI

ClinVar aggregate classification (germline): Uncertain significance. Review status: criteria provided, multiple submitters, no conflicts (2 of 4 stars). 4 submissions from 4 submitters: Uncertain significance (4). Last evaluated 2025-09-29.

Conditions:
Cardiovascular phenotype. Identifiers: MedGen CN230736.
Sitosterolemia 2. Identifiers: MedGen C5231453, MONDO:0020748, OMIM 618666.
Sitosterolemia 1. Identifiers: MedGen C2749759, MONDO:0020747, OMIM 210250.
Sitosterolemia (STSL). Also called: PHYTOSTEROLEMIA. Identifiers: Orphanet 2882, MedGen C0342907, MONDO:0008863.

Allele frequency attached by ClinVar (database versions not stated): TOPMed 0.00006; 1000 Genomes Project 30x 0.00016.

Submissions (4):

Labcorp Genetics (formerly Invitae), Labcorp
Classification: Uncertain significance for Sitosterolemia. Last evaluated: 2025-09-29. Review status: criteria provided, single submitter. Criteria: Invitae Variant Classification Sherloc (09022015). Collection method: clinical testing. Allele origin: germline.
Comment: This sequence change replaces valine, which is neutral and non-polar, with leucine, which is neutral and non-polar, at codon 47 of the ABCG5 protein (p.Val47Leu). This variant is present in population databases (rs72542426, gnomAD 0.1%). This variant has not been reported in the literature in individuals affected with ABCG5-related conditions. ClinVar contains an entry for this variant (Variation ID: 895029). An algorithm developed to predict the effect of missense changes on protein structure and function (PolyPhen-2) suggests that this variant is likely to be tolerated. In summary, the available evidence is currently insufficient to determine the role of this variant in disease. Therefore, it has been classified as a Variant of Uncertain Significance.

Ambry Genetics
Classification: Uncertain significance for Cardiovascular phenotype. Last evaluated: 2024-01-29. Review status: criteria provided, single submitter. Criteria: Ambry Variant Classification Scheme 2023. Collection method: clinical testing. Allele origin: germline.
Comment: The p.V47L variant (also known as c.139G>C), located in coding exon 1 of the ABCG5 gene, results from a G to C substitution at nucleotide position 139. The valine at codon 47 is replaced by leucine, an amino acid with highly similar properties. This amino acid position is conserved. In addition, this alteration is predicted to be tolerated by in silico analysis. Since supporting evidence is limited at this time, the clinical significance of this alteration remains unclear.

Revvity Omics, Revvity
Classification: Uncertain significance for Sitosterolemia 2. Last evaluated: 2022-05-10. Review status: criteria provided, single submitter. Criteria: ACMG Guidelines, 2015. Collection method: clinical testing. Allele origin: germline.

Illumina Laboratory Services, Illumina
Classification: Uncertain significance for Sitosterolemia 1. Last evaluated: 2018-01-13. Review status: criteria provided, single submitter. Criteria: ICSL Variant Classification Criteria 13 December 2019. Collection method: clinical testing. Allele origin: germline.